The following is an entry in ClinVar:

ClinVar aggregate classification (germline): Uncertain significance (1 of 4 stars; one submission).

Allele frequency attached by ClinVar (database versions not stated): gnomAD exomes below 0.00001.
gnomAD v4.1: 4 of 1,601,256 alleles (0.00025%); highest among the groups gnomAD compares: Non-Finnish European, 0.00034%; no homozygotes.

Submission:

Labcorp Genetics (formerly Invitae), Labcorp
Classification: Uncertain significance. Last evaluated: 2022-07-15. Review status: criteria provided, single submitter. Criteria: Invitae Variant Classification Sherloc (09022015). Collection method: clinical testing. Allele origin: germline.
Comment: In summary, the available evidence is currently insufficient to determine the role of this variant in disease. Therefore, it has been classified as a Variant of Uncertain Significance. Algorithms developed to predict the effect of missense changes on protein structure and function are either unavailable or do not agree on the potential impact of this missense change (SIFT: "Deleterious"; PolyPhen-2: "Not Available"; Align-GVGD: "Class C0"). This variant has not been reported in the literature in individuals affected with THAP11-related conditions. This variant is not present in population databases (gnomAD no frequency). This sequence change replaces serine, which is neutral and polar, with phenylalanine, which is neutral and non-polar, at codon 133 of the THAP11 protein (p.Ser133Phe).

NM_020457.3(THAP11):c.398C>T (p.Ser133Phe)

Genes: CENPT (centromere protein T; minus strand), THAP11 (THAP domain containing 11; plus strand). Cytogenetic location: 16q22.1.
Variant type: single nucleotide variant.
Coding change: c.398C>T on transcript NM_020457.3 (MANE Select); coding-DNA position 398, C replaced by T.
Protein change: p.Ser133Phe; replaces serine 133 with phenylalanine.
Molecular consequence: missense variant. On other transcripts: intron variant (1).
Genome position (GRCh38, 1-based): chr16:67,842,952, C>T. VCF-style: chr16-67842952-C-T. GRCh37 (hg19) VCF-style: chr16-67876855-C-T.
Other names: c.-492+4449G>A (NM_025082.4); short protein forms S133F.
Identifiers: ClinVar variation 2115450 (VCV002115450.4), dbSNP rs1377926600, ClinGen allele CA396397040.